The following is an entry in ClinVar:

ClinVar aggregate classification (germline): Uncertain significance. Review status: criteria provided, multiple submitters, no conflicts (2 of 4 stars). 2 submissions from 2 submitters: Uncertain significance (2). Last evaluated 2022-06-22.

Allele frequency attached by ClinVar (database versions not stated): gnomAD 0.00001 and 0.00002; gnomAD exomes 0.00001 and 0.00003; TOPMed 0.00001; ExAC 0.00002.
gnomAD v4.1: 23 of 1,614,108 alleles (0.0014%); highest among the groups gnomAD compares: East Asian, 0.016%; no homozygotes.

Submissions (2):

Labcorp Genetics (formerly Invitae), Labcorp
Classification: Uncertain significance. Last evaluated: 2022-06-22. Review status: criteria provided, single submitter. Criteria: Invitae Variant Classification Sherloc (09022015). Collection method: clinical testing. Allele origin: germline.
Comment: Algorithms developed to predict the effect of missense changes on protein structure and function (SIFT, PolyPhen-2, Align-GVGD) all suggest that this variant is likely to be tolerated. This sequence change replaces arginine, which is basic and polar, with glutamine, which is neutral and polar, at codon 2318 of the SZT2 protein (p.Arg2318Gln). This variant is present in population databases (rs764664600, gnomAD 0.02%). This variant has not been reported in the literature in individuals affected with SZT2-related conditions. ClinVar contains an entry for this variant (Variation ID: 1060984). In summary, the available evidence is currently insufficient to determine the role of this variant in disease. Therefore, it has been classified as a Variant of Uncertain Significance.

Breakthrough Genomics
Classification: Uncertain significance. Review status: criteria provided, single submitter. Criteria: ACMG Guidelines, 2015. Collection method: not provided. Allele origin: germline. Inheritance: Autosomal recessive inheritance. Affected: yes.

NM_001365999.1(SZT2):c.7124G>A (p.Arg2375Gln)

Gene: SZT2 (SZT2 subunit of KICSTOR complex; plus strand). Cytogenetic location: 1p34.2.
Variant type: single nucleotide variant.
Coding change: c.7124G>A on transcript NM_001365999.1 (MANE Select); coding-DNA position 7124, G replaced by A.
Protein change: p.Arg2375Gln; replaces arginine 2375 with glutamine.
Molecular consequence: missense variant.
Genome position (GRCh38, 1-based): chr1:43,439,962, G>A. VCF-style: chr1-43439962-G-A. GRCh37 (hg19) VCF-style: chr1-43905633-G-A.
Other names: c.6953G>A, p.Arg2318Gln (NM_015284.4); short protein forms R2318Q, R2375Q.
Identifiers: ClinVar variation 1060984 (VCV001060984.9), dbSNP rs764664600, ClinGen allele CA810117.